The following is an entry in ClinVar:

NM_053013.4(ENO3):c.692_707dup (p.Asp238fs)

Gene: ENO3 (enolase 3; plus strand). Cytogenetic location: 17p13.2.
Variant type: Duplication.
Coding change: c.692_707dup on transcript NM_053013.4 (MANE Select); coding-DNA positions 692 to 707, 16 bases duplicated (TCCAGGCGGCTGGTTA).
Protein change: p.Asp238fs; shifts the reading frame from aspartic acid 238.
Molecular consequence: frameshift variant.
Genome position (GRCh38, 1-based): chr17:4,955,431-4,955,446, TCCAGGCGGCTGGTTA duplicated; duplicating any 16 consecutive bases within chr17:4,955,430-4,955,446 gives the same sequence; the c. name uses the placement nearest the transcript's 3' end. VCF-style (leftmost placement, unchanged base first): chr17-4955429-C-CATCCAGGCGGCTGGTT. GRCh37 (hg19) VCF-style: chr17-4858724-C-CATCCAGGCGGCTGGTT.
Other names: c.563_578dup, p.Asp195fs (NM_001193503.2); c.692_707dup, p.Asp238fs (NM_001374523.1, NM_001976.5); c.719_734dup, p.Asp247fs (NM_001374524.1); short protein forms D238fs, D247fs, D195fs.
Identifiers: ClinVar variation 1442371 (VCV001442371.3), dbSNP rs757486701, ClinGen allele CA8316396.

ClinVar aggregate classification (germline): Uncertain significance (1 of 4 stars; one submission).

Conditions:
Glycogen storage disease due to muscle beta-enolase deficiency (GSD13). Also called: ENOLASE 3 DEFICIENCY; ENOLASE-BETA DEFICIENCY; GSD XIII; Glycogen Storage Disease Type XIII. Identifiers: Orphanet 99849, MedGen C2752027, MONDO:0013046, OMIM 612932.

Submission:

Labcorp Genetics (formerly Invitae), Labcorp
Classification: Uncertain significance for Glycogen storage disease due to muscle beta-enolase deficiency. Last evaluated: 2022-10-24. Review status: criteria provided, single submitter. Criteria: Invitae Variant Classification Sherloc (09022015). Collection method: clinical testing. Allele origin: germline.
Comment: This sequence change creates a premature translational stop signal (p.Asp238Glyfs*18) in the ENO3 gene. It is expected to result in an absent or disrupted protein product. However, the current clinical and genetic evidence is not sufficient to establish whether loss-of-function variants in ENO3 cause disease. This variant is present in population databases (rs757486701, gnomAD 0.02%). This variant has not been reported in the literature in individuals affected with ENO3-related conditions. ClinVar contains an entry for this variant (Variation ID: 1442371). In summary, the available evidence is currently insufficient to determine the role of this variant in disease. Therefore, it has been classified as a Variant of Uncertain Significance.